The following is an entry in ClinVar:

NM_000406.3(GNRHR):c.785G>A (p.Arg262Gln)

Gene: GNRHR (gonadotropin releasing hormone receptor; minus strand). Cytogenetic location: 4q13.2.
Variant type: single nucleotide variant.
Coding change: c.785G>A on transcript NM_000406.3 (MANE Select); coding-DNA position 785, G replaced by A.
Protein change: p.Arg262Gln; replaces arginine 262 with glutamine.
Molecular consequence: missense variant. On other transcripts: synonymous variant (1).
Genome position (GRCh38, 1-based): chr4:67,740,682, C>T on the plus strand (G>A on the coding strand, the complement: GNRHR is on the minus strand). VCF-style: chr4-67740682-C-T. GRCh37 (hg19) VCF-style: chr4-68606400-C-T.
Other names: c.657G>A, p.Thr219= (NM_001012763.2); short protein forms R262Q.
Identifiers: ClinVar variation 16024 (VCV000016024.43), dbSNP rs104893837, ClinGen allele CA130198.

ClinVar aggregate classification (germline): Pathogenic/Likely pathogenic. Review status: criteria provided, multiple submitters, no conflicts (2 of 4 stars). 24 submissions from 23 submitters: Pathogenic (17); Likely pathogenic (4). 3 of the submissions do not count toward it. Last evaluated 2026-01-14.

Conditions:
GNRHR-related disorders.
GNRHR-related disorder. Also called: GNRHR-related condition.
Pituitary hormone deficiency.
Hypogonadotropic hypogonadism. Also called: Hypogonadotropic hypogonadism with or without anosmia; Low gonadotropins (secondary hypogonadism); Hypogonadotrophic hypogonadism; Isolated hypogonadotropic hypogonadism. Identifiers: Orphanet 432, MedGen C0271623, MONDO:0018555, HP:0000044.
Hypogonadotropic hypogonadism 7 with or without anosmia (HH7). Also called: GNRHR-Related GnRH Deficiency; HYPOGONADOTROPIC HYPOGONADISM 7 WITHOUT ANOSMIA. Identifiers: Orphanet 432, MedGen C0342384, MONDO:0007794, OMIM 146110.
Amenorrhea. Identifiers: MedGen C0002453, MONDO:0001836, HP:0000141.

Allele frequency attached by ClinVar (database versions not stated): TOPMed 0.00107; 1000 Genomes Project 0.00060; gnomAD 0.00131 and 0.00132; gnomAD exomes 0.00179 and 0.00157; ExAC 0.00203; 1000 Genomes Project 30x 0.00047.
gnomAD v4.1: 2,456 of 1,604,490 alleles (0.15%); highest among the groups gnomAD compares: South Asian, 0.21%; 7 homozygotes.

Submissions 1 to 15 of 24:

Labcorp Genetics (formerly Invitae), Labcorp
Classification: Pathogenic. Last evaluated: 2026-01-14. Review status: criteria provided, single submitter. Criteria: Invitae Variant Classification Sherloc (09022015). Collection method: clinical testing. Allele origin: germline.
Comment: This sequence change replaces arginine, which is basic and polar, with glutamine, which is neutral and polar, at codon 262 of the GNRHR protein (p.Arg262Gln). This variant is present in population databases (rs104893837, gnomAD 0.5%), and has an allele count higher than expected for a pathogenic variant. This missense change has been observed in individual(s) with isolated hypogonadotropic hypogonadism (PMID: 9371856, 9425890, 10022417, 10084584, 16968799, 26207952). It has also been observed to segregate with disease in related individuals. ClinVar contains an entry for this variant (Variation ID: 16024). Invitae Evidence Modeling of protein sequence and biophysical properties (such as structural, functional, and spatial information, amino acid conservation, physicochemical variation, residue mobility, and thermodynamic stability) indicates that this missense variant is expected to disrupt GNRHR protein function with a positive predictive value of 80%. Experimental studies have shown that this missense change affects GNRHR function (PMID: 9371856, 9425890, 12574221). For these reasons, this variant has been classified as Pathogenic.

NHS Central & South Genomic Laboratory Hub
Classification: Pathogenic for Pituitary hormone deficiency. Last evaluated: 2025-10-21. Review status: criteria provided, single submitter. Criteria: ACMG Guidelines, 2015. Collection method: clinical testing. Allele origin: germline. Affected: yes.

PreventionGenetics, part of Exact Sciences
Classification: Pathogenic for GNRHR-related condition. Last evaluated: 2025-08-06. Review status: criteria provided, single submitter. Criteria: ACMG Guidelines, 2015. Collection method: clinical testing. Allele origin: germline.
Comment: The GNRHR c.785G>A variant is predicted to result in the amino acid substitution p.Arg262Gln. This variant has been reported to be causative for a broad spectrum of autosomal recessive GNRHR-related phenotypes such as hypogonadotropic hypogonadism, amenorrhea, constitutional delay of puberty and infertility (de Roux N. et al. 1997. PubMed ID: 9371856; Layman et al. 1998. PubMed ID: 9425890; Lin et al. 2006. PubMed ID: 16968799; Caronia et al. 2011. PubMed ID: 21247312; Gianetti et al. 2012. PubMed ID: 22745237). Functional studies show that the p.Arg262Gln variant impairs GnRH-stimulated inositol trisphosphate production and decreases GnRH signal transduction (de Roux N et al. 1997. PubMed ID: 9371856; Layman et al. 1998. PubMed ID: 9425890; Bedecarrats et al. 2003. PubMed ID: 12574221). The p.Arg262Gln variant is one of the most common pathogenic variants reported in the GNRHR gene. This variant is reported in 0.54% of alleles in individuals of European (Finnish) descent in gnomAD. This variant is interpreted as pathogenic.

Dasa
Classification: Pathogenic. Last evaluated: 2025-06-13. Review status: criteria provided, single submitter. Criteria: DASA Assertion Criteria. Collection method: clinical testing. Allele origin: germline.
Comment: NM_000406.3(GNRHR):c.785G>A (p.Arg262Gln) results in an arginine-to-glutamine substitution. Functional studies support a deleterious effect on receptor activity (PMID: 9371856, 12574221). The variant has been recurrently observed in individuals with hypogonadotropic hypogonadism, typically in trans with another pathogenic variant (PMID: 9371856, 9425890, 10022417). It is present at low frequency in population datasets. Based on the available data, this variant is classified as pathogenic.

Institute of Medical Genetics and Applied Genomics, University Hospital Tübingen
Classification: Pathogenic for Hypogonadotropic hypogonadism 7 with or without anosmia. Last evaluated: 2025-06-04. Review status: criteria provided, single submitter. Criteria: ACMG Guidelines, 2015. Collection method: clinical testing. Allele origin: germline. Inheritance: Autosomal recessive inheritance. Affected: yes.

First Genomix Gene Laboratory, Genetic Diagnostics Department
Classification: Pathogenic for Hypogonadotropic hypogonadism 7 with or without anosmia. Last evaluated: 2025-03-20. Review status: criteria provided, single submitter. Criteria: ACMG Guidelines, 2015. Collection method: clinical testing. Allele origin: germline. Inheritance: Autosomal recessive inheritance. Affected: no. Observed: 1 variant allele.

Cambridge Genomics Laboratory, East Genomic Laboratory Hub, NHS Genomic Medicine Service
Classification: Likely pathogenic for Pituitary hormone deficiency. Last evaluated: 2025-01-30. Review status: criteria provided, single submitter. Criteria: ACGS Best Practice Guidelines for Variant Classification in Rare Disease 2020. Collection method: clinical testing. Allele origin: germline. Affected: yes.
Comment: PS3_Supporting,PM3_Supporting,PP1_Strong,PP3,BS1_Strong

NHS Central & South Genomic Laboratory Hub
Classification: Pathogenic for Hypogonadotropic hypogonadism. Last evaluated: 2024-11-11. Review status: criteria provided, single submitter. Criteria: ACMG Guidelines, 2015. Collection method: clinical testing. Allele origin: germline. Affected: yes.

Blueprint Genetics
Classification: Pathogenic for GNRHR-related disorders. Last evaluated: 2024-11-06. Review status: criteria provided, single submitter. Criteria: ACMG Guidelines, 2015. Collection method: clinical testing. Allele origin: germline. Affected: yes. Observed: 5 variant alleles.

Revvity Omics, Revvity
Classification: Pathogenic for Hypogonadotropic hypogonadism 7 with or without anosmia. Last evaluated: 2024-06-17. Review status: criteria provided, single submitter. Criteria: ACMG Guidelines, 2015. Collection method: clinical testing. Allele origin: germline.

Fulgent Genetics
Classification: Pathogenic for Hypogonadotropic hypogonadism 7 with or without anosmia. Last evaluated: 2024-05-11. Review status: criteria provided, single submitter. Criteria: ACMG Guidelines, 2015. Collection method: clinical testing. Allele origin: germline.

Department of Pathology and Laboratory Medicine, Sinai Health System
Classification: Pathogenic for Hypogonadotropic hypogonadism 7 with or without anosmia. Last evaluated: 2022-04-26. Review status: criteria provided, single submitter. Criteria: ACMG Guidelines, 2015. Collection method: research. Allele origin: germline.

GeneDx
Classification: Pathogenic. Last evaluated: 2022-02-11. Review status: criteria provided, single submitter. Criteria: GeneDx Variant Classification Process June 2021. Collection method: clinical testing. Allele origin: germline. Affected: yes.
Comment: Published functional studies demonstrate a damaging effect on IP3 production and GnRH signal transmission (de Roux et al., 1997; Layman et al., 1998); In silico analysis supports that this missense variant has a deleterious effect on protein structure/function; This variant is associated with the following publications: (PMID: 9371856, 24732674, 16968799, 22745237, 26207952, 23643382, 22788855, 15728205, 12364481, 19820032, 12574221, 17235395, 23155690, 9425890, 21247312, 20696889, 27884859, 26572316, 17074994, 27899157, 12477532, 29419413, 28611058, 29182666, 30476149, 31200363, 31980526, 32870266, 34198905, 34426522, 10690855, 31589614, 11384641)

MGZ Medical Genetics Center
Classification: Likely pathogenic for Hypogonadotropic hypogonadism 7 with or without anosmia. Last evaluated: 2021-07-26. Review status: criteria provided, single submitter. Criteria: ACMG Guidelines, 2015. Collection method: clinical testing. Allele origin: germline. Affected: yes. Observed: 1 variant allele.
Comment: ACMG criteria applied: PM3_STR, PS3_MOD, PM2_SUP, PP3

Genetics and Genomic Medicine Centre, NeuroGen Healthcare, NeuroGen Healthcare
Classification: Likely pathogenic for Hypogonadotropic hypogonadism 7 with or without anosmia. Last evaluated: 2021-05-31. Review status: criteria provided, single submitter. Criteria: Submitter's publication. Collection method: clinical testing. Allele origin: unknown. Affected: no.